The following is an entry in ClinVar:

NM_000329.3(RPE65):c.170T>C (p.Phe57Ser)

Gene: RPE65 (retinoid isomerohydrolase RPE65; minus strand). Cytogenetic location: 1p31.3.
Variant type: single nucleotide variant.
Coding change: c.170T>C on transcript NM_000329.3 (MANE Select); coding-DNA position 170, T replaced by C.
Protein change: p.Phe57Ser; replaces phenylalanine 57 with serine.
Molecular consequence: missense variant.
Genome position (GRCh38, 1-based): chr1:68,446,785, A>G on the plus strand (T>C on the coding strand, the complement: RPE65 is on the minus strand). VCF-style: chr1-68446785-A-G. GRCh37 (hg19) VCF-style: chr1-68912468-A-G.
Other names: short protein forms F57S.
Identifiers: ClinVar variation 1704302 (VCV001704302.3), dbSNP rs2523451761, ClinGen allele CA340749087.

ClinVar aggregate classification (germline): Pathogenic (1 of 4 stars; one submission).

Conditions:
Retinitis pigmentosa 20 (RP20). Identifiers: Orphanet 791, MedGen C3151086, MONDO:0013425, OMIM 613794.

Submission:

Genetics Laboratory, Department of Biology, Semnan University
Classification: Pathogenic for Retinitis pigmentosa 20. Last evaluated: 2018-04-09. Review status: criteria provided, single submitter. Criteria: ACMG Guidelines, 2015. Collection method: case-control. Allele origin: inherited. Inheritance: Autosomal recessive inheritance. Affected: yes. Observed: 1 homozygote.
Comment: The identified mutation leads to the substitution of Phenylalanine 57 with Serine (F57S) in the RPE65 protein. Hence, this substitution alters the amino acid sequence and leads to a decreased function of mutated protein.